The following is an entry in ClinVar:

NM_001099922.3(ALG13):c.455dup (p.Thr153fs)

Gene: ALG13 (ALG13 UDP-N-acetylglucosaminyltransferase subunit; plus strand). Cytogenetic location: Xq23.
Variant type: Duplication.
Coding change: c.455dup on transcript NM_001099922.3 (MANE Select); coding-DNA position 455, one base duplicated (T; older notation c.455dupT).
Protein change: p.Thr153fs; shifts the reading frame from threonine 153.
Molecular consequence: frameshift variant. On other transcripts: non-coding transcript variant (1).
Genome position (GRCh38, 1-based): chrX:111,708,098, T duplicated. VCF-style (leftmost placement, unchanged base first): chrX-111708097-C-CT. GRCh37 (hg19) VCF-style: chrX-110951325-C-CT.
Other names: c.143dup, p.Thr49fs (NM_001257230.2, NM_001257234.2, NM_001257237.2 and 1 more transcripts); c.221dup, p.Thr75fs (NM_001257231.2); c.455dup, p.Thr153fs (NM_001324292.2); short protein forms T75fs, T49fs, T153fs.
Identifiers: ClinVar variation 4724635 (VCV004724635.1).
Genomic context (GRCh38, chrX:111,708,097, plus strand): 5'-TGTCCTGGGCAAGCCAAGTCCATTGCTTCTGCTCCTGGGAAGTGCCAAGATTCTGCAGCG[C>CT]TGACTTCAACTGCCTTTTCAGGCCTAGACTTTGGGCTGCTTTCCGGATACCTGCATAAGC-3'

ClinVar aggregate classification (germline): Uncertain significance (1 of 4 stars; one submission).

Conditions:
Developmental and epileptic encephalopathy, 36 (DEE36). Also called: Congenital disorder of glycosylation, type Is; Epileptic encephalopathy, early infantile, 36; ALG13-CDG. Identifiers: Orphanet 324422, MedGen C4317295, MONDO:0010472, OMIM 300884.

Submission:

Labcorp Genetics (formerly Invitae), Labcorp
Classification: Uncertain significance for Developmental and epileptic encephalopathy, 36. Last evaluated: 2025-08-14. Review status: criteria provided, single submitter. Criteria: Invitae Variant Classification Sherloc (09022015). Collection method: clinical testing. Allele origin: germline.
Comment: This sequence change creates a premature translational stop signal (p.Thr153Aspfs*19) in the ALG13 gene. It is expected to result in an absent or disrupted protein product. However, the current clinical and genetic evidence is not sufficient to establish whether loss-of-function variants in ALG13 cause disease. This variant is not present in population databases (gnomAD no frequency). This variant has not been reported in the literature in individuals affected with ALG13-related conditions. In summary, the available evidence is currently insufficient to determine the role of this variant in disease. Therefore, it has been classified as a Variant of Uncertain Significance.